The following is an entry in ClinVar:

ClinVar aggregate classification (germline): Conflicting classifications of pathogenicity. Review status: criteria provided, conflicting classifications (1 of 4 stars). 5 submissions from 5 submitters: Uncertain significance (1); Benign (1); Likely benign (2). 1 of the submissions does not count toward it. Last evaluated 2025-09-14.

Conditions:
Inborn genetic diseases. Identifiers: MedGen C0950123, MeSH D030342.
SMC3-related disorder. Also called: SMC3-related condition.
Cornelia de Lange syndrome 3 (CDLS3). Also called: SMC3-Related Cornelia de Lange Syndrome; CORNELIA DE LANGE SYNDROME 3 WITH OR WITHOUT MIDLINE BRAIN DEFECTS. Identifiers: Orphanet 199, MedGen C1853099, MONDO:0012555, OMIM 610759.

Submissions (5):

Labcorp Genetics (formerly Invitae), Labcorp
Classification: Likely benign for Cornelia de Lange syndrome 3. Last evaluated: 2025-09-14. Review status: criteria provided, single submitter. Criteria: Invitae Variant Classification Sherloc (09022015). Collection method: clinical testing. Allele origin: germline.

GeneDx
Classification: Uncertain significance. Last evaluated: 2021-06-12. Review status: criteria provided, single submitter. Criteria: GeneDx Variant Classification Process June 2021. Collection method: clinical testing. Allele origin: germline. Affected: yes.
Comment: In-silico analysis, which includes splice predictors and evolutionary conservation, is inconclusive as to whether the variant alters gene splicing. In the absence of RNA/functional studies, the actual effect of this sequence change is unknown.; Has not been previously published as pathogenic or benign to our knowledge

Ambry Genetics
Classification: Likely benign for Inborn genetic diseases. Last evaluated: 2017-09-20. Review status: criteria provided, single submitter. Criteria: Ambry Variant Classification Scheme 2023. Collection method: clinical testing. Allele origin: germline.

Athena Diagnostics
Classification: Benign. Last evaluated: 2016-10-17. Review status: criteria provided, single submitter. Criteria: Athena Diagnostics Criteria. Collection method: clinical testing. Allele origin: germline.

PreventionGenetics, part of Exact Sciences
Classification: Likely benign for SMC3-related condition. Last evaluated: 2019-08-28. Review status: no assertion criteria provided. Collection method: clinical testing. Allele origin: germline. Not counted in ClinVar's aggregate classification.
Comment: This variant is classified as likely benign based on ACMG/AMP sequence variant interpretation guidelines (Richards et al. 2015 PMID: 25741868, with internal and published modifications).

NM_005445.4(SMC3):c.1410-6_1410-3del

Gene: SMC3 (structural maintenance of chromosomes 3; plus strand). Cytogenetic location: 10q25.2.
Variant type: Microsatellite.
Coding change: c.1410-6_1410-3del on transcript NM_005445.4 (MANE Select); 6 bases into the intron before coding-DNA position 1410 through 3 bases into the intron before coding-DNA position 1410, 4 bases deleted (TATT; older notation c.1410-6_1410-3delTATT).
Molecular consequence: intron variant.
Genome position (GRCh38, 1-based): chr10:110,589,886-110,589,889, TATT deleted; deleting any 4 consecutive bases within chr10:110,589,880-110,589,889 gives the same sequence; the c. name uses the placement nearest the transcript's 3' end. VCF-style (leftmost placement, unchanged base first): chr10-110589879-TTTTA-T. GRCh37 (hg19) VCF-style: chr10-112349637-TTTTA-T.
Other names: c.1410-6_1410-3delTATT (NM_005445.3).
Identifiers: ClinVar variation 448421 (VCV000448421.17), dbSNP rs546049291, ClinGen allele CA5687965.
Genomic context (GRCh38, chr10:110,589,879, plus strand): 5'-TTCTAAACTGTATACTGTTAATGCATCCTCATATGTGTTTAAAATTAAAGACAGTCTACT[TTTTA>T]TTTATTAGCTACTTGTGGAGAGAAGAGAATGCAGAACAGCAAGCACTTGCTGCTAAAAGA-3'